The following is an entry in ClinVar:

NM_000051.4(ATM):c.1431_1432delinsTTTATTAAAGCTCA (p.Lys477_Ser478delinsAsnLeuLeuLysLeuThr)

Gene: ATM (ATM serine/threonine kinase; plus strand). Cytogenetic location: 11q22.3.
Variant type: Indel.
Coding change: c.1431_1432delinsTTTATTAAAGCTCA on transcript NM_000051.4 (MANE Select); coding-DNA positions 1431 to 1432, GT replaced by TTTATTAAAGCTCA.
Protein change: p.Lys477_Ser478delinsAsnLeuLeuLysLeuThr.
Molecular consequence: inframe indel.
Genome position (GRCh38, 1-based): chr11:108,250,896-108,250,897, GT replaced by TTTATTAAAGCTCA. VCF-style: chr11-108250896-GT-TTTATTAAAGCTCA. GRCh37 (hg19) VCF-style: chr11-108121623-GT-TTTATTAAAGCTCA.
Other names: c.1431_1432delinsTTTATTAAAGCTCA, p.Lys477_Ser478delinsAsnLeuLeuLysLeuThr (NM_001351834.2).
Identifiers: ClinVar variation 1772503 (VCV001772503.3), dbSNP rs2497246335, ClinGen allele CA2580083779.

ClinVar aggregate classification (germline): Uncertain significance (1 of 4 stars; one submission).

Conditions:
Hereditary cancer-predisposing syndrome. Also called: Hereditary Cancer Syndrome; Hereditary neoplastic syndrome; Neoplastic Syndromes, Hereditary; Tumor predisposition. Identifiers: Orphanet 140162, MedGen C0027672, MeSH D009386, MONDO:0015356.

Submission:

Ambry Genetics
Classification: Uncertain significance for Hereditary cancer-predisposing syndrome. Last evaluated: 2024-09-16. Review status: criteria provided, single submitter. Criteria: Ambry Variant Classification Scheme 2023. Collection method: clinical testing. Allele origin: germline.
Comment: The c.1431_1432delGTins14 variant (also known as p.K477_S478DELINSNLLKLT), located in coding exon 9 of the ATM gene, results from an in-frame deletion of GT and insertion of 14 nucleotides at positions 1431 to 1432. This results in the substitution of 2 amino acids and insertion of 4 amino acids at codons 477 and 478. In addition, the in silico prediction for this alteration is inconclusive (Choi Y et al. PLoS ONE. 2012; 7(10):e46688). Based on the available evidence, the clinical significance of this variant remains unclear.